The following is an entry in ClinVar:

NM_000702.4(ATP1A2):c.177+20G>C

Gene: ATP1A2 (ATPase Na+/K+ transporting subunit alpha 2; plus strand). Cytogenetic location: 1q23.2.
Variant type: single nucleotide variant.
Coding change: c.177+20G>C on transcript NM_000702.4 (MANE Select); 20 bases into the intron after coding-DNA position 177, G replaced by C.
Molecular consequence: intron variant.
Genome position (GRCh38, 1-based): chr1:160,121,271, G>C. VCF-style: chr1-160121271-G-C. GRCh37 (hg19) VCF-style: chr1-160091061-G-C.
Identifiers: ClinVar variation 514620 (VCV000514620.1), dbSNP rs1475100565, ClinGen allele CA658795547.

ClinVar aggregate classification (germline): Likely benign (1 of 4 stars; one submission).

gnomAD v4.1: 1 of 1,614,032 alleles (0.000062%); highest among the groups gnomAD compares: Non-Finnish European, 0.000085%; no homozygotes.

Submission:

GeneDx
Classification: Likely benign. Last evaluated: 2018-01-17. Review status: criteria provided, single submitter. Criteria: GeneDx Variant Classification (06012015). Collection method: clinical testing. Allele origin: germline. Affected: yes.
Comment: This variant is considered likely benign or benign based on one or more of the following criteria: it is a conservative change, it occurs at a poorly conserved position in the protein, it is predicted to be benign by multiple in silico algorithms, and/or has population frequency not consistent with disease.